The following is an entry in ClinVar:

ClinVar aggregate classification (germline): Pathogenic/Likely pathogenic. Review status: criteria provided, multiple submitters, no conflicts (2 of 4 stars). 11 submissions from 11 submitters: Pathogenic (6); Likely pathogenic (3). 2 of the submissions do not count toward it. Last evaluated 2025-08-12.

Conditions:
DNAH5-related disorders.
Primary ciliary dyskinesia 3. Identifiers: Orphanet 244, MedGen C1837618, MONDO:0012085, OMIM 608644.
Primary ciliary dyskinesia. Also called: Ciliary dyskinesia. Identifiers: Orphanet 244, MedGen C0008780, MONDO:0016575, HP:0012265.

Allele frequency attached by ClinVar (database versions not stated): ExAC 0.00001; gnomAD exomes 0.00002 and 0.00006; gnomAD 0.00005 and 0.00006; TOPMed 0.00007.
gnomAD v4.1: 100 of 1,613,220 alleles (0.0062%); highest among the groups gnomAD compares: Non-Finnish European, 0.008%; no homozygotes.

Submissions (11):

Labcorp Genetics (formerly Invitae), Labcorp
Classification: Pathogenic for Primary ciliary dyskinesia. Last evaluated: 2025-08-12. Review status: criteria provided, single submitter. Criteria: Invitae Variant Classification Sherloc (09022015). Collection method: clinical testing. Allele origin: germline.
Comment: This sequence change replaces methionine, which is neutral and non-polar, with isoleucine, which is neutral and non-polar, at codon 2083 of the DNAH5 protein (p.Met2083Ile). This variant also falls at the last nucleotide of exon 37, which is part of the consensus splice site for this exon. This variant is present in population databases (rs753614861, gnomAD 0.02%). This missense change has been observed in individual(s) with primary ciliary dyskinesia (PMID: 2127064, 2389146, 23261302). In at least one individual the data is consistent with being in trans (on the opposite chromosome) from a pathogenic variant. ClinVar contains an entry for this variant (Variation ID: 228251). An algorithm developed to predict the effect of missense changes on protein structure and function (PolyPhen-2) suggests that this variant is likely to be tolerated. Variants that disrupt the consensus splice site are a relatively common cause of aberrant splicing (PMID: 17576681, 9536098). Algorithms developed to predict the effect of sequence changes on RNA splicing suggest that this variant may disrupt the consensus splice site. For these reasons, this variant has been classified as Pathogenic.

Natera, Inc.
Classification: Pathogenic for Primary ciliary dyskinesia. Last evaluated: 2025-08-05. Review status: criteria provided, single submitter. Criteria: Natera Variant Classification Schema (03/2026). Collection method: clinical testing. Allele origin: germline.
Comment: The c.6249G>A variant in DNAH5 is a missense variant predicted to cause substitution of methionine to isoleucine at amino acid 2083. This variant is rare in the general population with a frequency below the threshold expected for the associated phenotype(s). This variant has been observed in one or more individuals affected with the associated recessive disease, as either homozygous or compound heterozygous with a second variant (PMID: 23261302, 23891469, 30067075, 31879361). Additionally, this variant has been observed to segregate in affected family members (PMID: 23261302, 23891469). Functional studies show that this variant may disrupt protein function (PMID: 23261302). Computational prediction algorithms indicate this variant is likely to affect gene or protein function. Given the available evidence, this variant is classified as Pathogenic.

Fulgent Genetics
Classification: Pathogenic for Primary ciliary dyskinesia 3. Last evaluated: 2024-04-05. Review status: criteria provided, single submitter. Criteria: ACMG Guidelines, 2015. Collection method: clinical testing. Allele origin: germline.

Blueprint Genetics
Classification: Pathogenic for DNAH5-related disorders. Last evaluated: 2024-01-30. Review status: criteria provided, single submitter. Criteria: ACMG Guidelines, 2015. Collection method: clinical testing. Allele origin: germline. Affected: yes. Observed: 5 variant alleles.

GeneDx
Classification: Pathogenic. Last evaluated: 2022-06-03. Review status: criteria provided, single submitter. Criteria: GeneDx Variant Classification Process June 2021. Collection method: clinical testing. Allele origin: germline. Affected: yes.
Comment: Published functional studies demonstrate abnormal splicing leading to multiple aberrant transcripts (Knowles et al., 2013); Alters the last nucleotide of the exon and is predicted to destroy the splice donor site and result in aberrant splicing; In addition, in silico predictors suggest the missense change may have a deleterious effect on protein structure/function; This variant is associated with the following publications: (PMID: 23261302, 21270641, 31879361, 23891469, 30067075, Poplawska_2021_Abstract)

UNC Molecular Genetics  Laboratory, University of North Carolina at Chapel Hill
Classification: Likely pathogenic for Primary ciliary dyskinesia. Last evaluated: 2018-11-08. Review status: criteria provided, single submitter. Criteria: ACMG Guidelines, 2015. Collection method: clinical testing. Allele origin: germline. Affected: yes. Observed: 1 compound heterozygote.

Illumina Laboratory Services, Illumina
Classification: Likely pathogenic for Primary ciliary dyskinesia 3. Last evaluated: 2017-09-18. Review status: criteria provided, single submitter. Criteria: ICSL Variant Classification Criteria 09 May 2019. Collection method: clinical testing. Allele origin: germline.
Comment: The DNAH5 c.6249G>A (p.Met2083Ile) missense variant has been identified in a compound heterozygous state in six individuals from three families with primary ciliary dyskinesia and ciliary outer dynein arm defects demonstrated via electron microscopy (Berg et al. 2011; Knowles et al. 2013; Zariwala et al. 2013). Several of these individuals were reported to exhibit situs inversus, bronchiectasis, sinusitis and otitis media. Among these individuals, a sibling pair was shown to have inherited the variant from their healthy parent. Control data are unavailable for this variant, which is reported at a frequency of 0.000196 in the African population of the Genome Aggregation Database. RT-PCR of nasal RNA from one patient who carried a frameshift variant in trans with p.Met2083Ile demonstrated that the variant affects splicing, leading to two mutant transcripts, one showing deletion of exon 37 and the other deletion of exons 36 and 37. Both transcripts led to a premature translation termination signal (Knowles et al. 2013). Based on the collective evidence, the p.Met2083Ile variant is classified as likely pathogenic for primary ciliary dyskinesia. This variant was observed by ICSL as part of a predisposition screen in an ostensibly healthy population.

Ambry Genetics
Classification: Pathogenic for Primary ciliary dyskinesia. Last evaluated: 2017-09-05. Review status: criteria provided, single submitter. Criteria: Ambry Variant Classification Scheme 2023. Collection method: clinical testing. Allele origin: germline.
Comment: The c.6249G>A pathogenic mutation (also known as p.M2083I), located in coding exon 37 of the DNAH5 gene, results from a G to A substitution at nucleotide position 6249. The methionine at codon 2083 is replaced by isoleucine, an amino acid with highly similar properties. This change occurs in the last base pair of coding exon 37, which makes it likely to have some effect on normal mRNA splicing. This variant was described in two siblings with outer dynein arm defects detected by electron microscopy, and a frameshift alteration confirmed in trans. Studies demonstrated that this alteration leads to abnormal splicing and premature protein truncation (Knowles MR et al. Am. J. Hum. Genet., 2013 Jan;92:99-106). In addition, this mutation was reported in two individuals with primary ciliary dyskinesia, both with situs inversus, outer dynein arm defects on electron microscopy, and a second DNAH5 alteration (Berg JS et al. Genet. Med., 2011 Mar;13:218-29; Zariwala MA et al. Am. J. Hum. Genet., 2013 Aug;93:336-45). Based on the supporting evidence, this alteration is interpreted as a disease-causing mutation.

Laboratory for Molecular Medicine, Mass General Brigham Personalized Medicine
Classification: Likely pathogenic for Primary ciliary dyskinesia. Last evaluated: 2016-02-24. Review status: criteria provided, single submitter. Criteria: LMM Criteria. Collection method: clinical testing. Allele origin: germline. Observed: 1 variant allele.
Comment: The p.Met2083Ile variant in DNAH5 has been reported in trans with a second DNAH5 variant (Met754Ilefs) in 1 individual with primary ciliary dyskinesia. Both var iants were present in 1 affected sibling (Knowles 2013). This variant has been identified in 1/66400 European chromosomes by the Exome Aggregation Consortium ( ExAC; dbSNP rs753614861). Please note that for diseases with clinical variability, reduced penetrance, or recessive inheritance , pathogenic variants may be present at a low frequency in the general populatio n. This variant affects the last base of the exon, which is part of the 5? splic e region, and has been shown to affect splicing (Knowles 2013). In summary, alth ough additional studies are required to fully establish its clinical significanc e, the p.Met2083Ile variant is likely pathogenic in an autosomal recessive fashi on

Yale Center for Mendelian Genomics, Yale University
Classification: Likely pathogenic for Primary ciliary dyskinesia. Last evaluated: 2018-08-01. Review status: no assertion criteria provided. Collection method: literature only. Allele origin: germline. Affected: yes. Observed: 1 compound heterozygote. Study: Yale Center for Mendelian Genomics. Not counted in ClinVar's aggregate classification.

OMIM
Classification: Pathogenic for CILIARY DYSKINESIA, PRIMARY, 3. Last evaluated: 2013-01-10. Review status: no assertion criteria provided. Collection method: literature only. Allele origin: germline. Not counted in ClinVar's aggregate classification.

Literature cited by the submitters: PubMed 2127064 (cited by Labcorp Genetics (formerly Invitae), Labcorp); PubMed 2389146 (cited by Labcorp Genetics (formerly Invitae), Labcorp); PubMed 23261302 (cited by 7 submitters); PubMed 17576681 (cited by Labcorp Genetics (formerly Invitae), Labcorp); PubMed 9536098 (cited by Labcorp Genetics (formerly Invitae), Labcorp); PubMed 23891469 (cited by 3 submitters); PubMed 30067075 (cited by Natera, Inc. and Yale Center for Mendelian Genomics, Yale University); PubMed 31879361 (cited by Natera, Inc.); PubMed 21270641 (cited by 3 submitters).

NM_001369.3(DNAH5):c.6249G>A (p.Met2083Ile)

Gene: DNAH5 (dynein axonemal heavy chain 5; minus strand). Cytogenetic location: 5p15.2.
Variant type: single nucleotide variant.
Coding change: c.6249G>A on transcript NM_001369.3 (MANE Select); coding-DNA position 6249, G replaced by A.
Protein change: p.Met2083Ile; replaces methionine 2083 with isoleucine.
Molecular consequence: missense variant.
Genome position (GRCh38, 1-based): chr5:13,830,026, C>T on the plus strand (G>A on the coding strand, the complement: DNAH5 is on the minus strand). VCF-style: chr5-13830026-C-T. GRCh37 (hg19) VCF-style: chr5-13830135-C-T.
Other names: 6249G-A; short protein forms M2083I.
Identifiers: ClinVar variation 228251 (VCV000228251.30), dbSNP rs753614861, ClinGen allele CA501221.